The following is an entry in ClinVar:

ClinVar aggregate classification (germline): Likely pathogenic. Review status: criteria provided, multiple submitters, no conflicts (2 of 4 stars). 2 submissions from 2 submitters: Likely pathogenic (2). Last evaluated 2025-02-13.

Conditions:
Leber congenital amaurosis 5 (LCA5). Also called: Amaurosis congenita of Leber, type 5. Identifiers: Orphanet 65, MedGen C1858301, MONDO:0011473, OMIM 604537.

Submissions (2):

Natera, Inc.
Classification: Likely pathogenic for Leber congenital amaurosis type 5. Last evaluated: 2025-02-13. Review status: criteria provided, single submitter. Criteria: Natera Variant Classification Schema (03/2026). Collection method: clinical testing. Allele origin: germline.
Comment: The c.644del variant in LCA5 is a frameshift variant predicted to shift the reading frame beginning at codon 215 and leads to a stop codon 11 codons downstream. This variant is expected to result in nonsense mediated decay, truncation, or a dysfunctional protein product. This variant is rare in the general population with a frequency below the threshold expected for the associated phenotype(s). Given the available evidence, this variant is classified as Likely Pathogenic.

Fulgent Genetics
Classification: Likely pathogenic for Leber congenital amaurosis 5. Last evaluated: 2024-06-10. Review status: criteria provided, single submitter. Criteria: ACMG Guidelines, 2015. Collection method: clinical testing. Allele origin: germline.

NM_001122769.3(LCA5):c.644del (p.Leu215fs)

Gene: LCA5 (lebercilin LCA5; minus strand). Cytogenetic location: 6q14.1.
Variant type: Deletion.
Coding change: c.644del on transcript NM_001122769.3 (MANE Select); coding-DNA position 644, one base deleted (T; older notation c.644delT).
Protein change: p.Leu215fs; shifts the reading frame from leucine 215.
Molecular consequence: frameshift variant.
Genome position (GRCh38, 1-based): chr6:79,513,288, A deleted on the plus strand (T on the coding strand, the reverse complement: LCA5 is on the minus strand). VCF-style (leftmost placement, unchanged base first): chr6-79513287-TA-T. GRCh37 (hg19) VCF-style: chr6-80223004-TA-T.
Other names: c.644del, p.Leu215fs (NM_181714.4); c.644del (NM_181714.3); short protein forms L215fs.
Identifiers: ClinVar variation 3594150 (VCV003594150.3).